The following is an entry in ClinVar:

ClinVar aggregate classification (germline): Uncertain significance. Review status: criteria provided, multiple submitters, no conflicts (2 of 4 stars). 2 submissions from 2 submitters: Uncertain significance (2). Last evaluated 2025-12-15.

Conditions:
Familial thoracic aortic aneurysm and aortic dissection (TAAD). Also called: Thoracic aortic aneurysms and dissections. Identifiers: Orphanet 91387, MedGen C4707243, MONDO:0019625.
Congenital contractural arachnodactyly (CCA). Also called: BEALS SYNDROME; Beals-Hecht syndrome; Arthrogryposis, distal, type 9. Identifiers: Orphanet 115, MedGen C0220668, MONDO:0007363, OMIM 121050.

gnomAD v4.1: 2 of 1,613,782 alleles (0.00012%); highest among the groups gnomAD compares: Non-Finnish European, 0.000085%; no homozygotes.

Submissions (2):

Ambry Genetics
Classification: Uncertain significance for Familial thoracic aortic aneurysm and aortic dissection. Last evaluated: 2025-12-15. Review status: criteria provided, single submitter. Criteria: Ambry Variant Classification Scheme 2023. Collection method: clinical testing. Allele origin: germline.

Labcorp Genetics (formerly Invitae), Labcorp
Classification: Uncertain significance for Congenital contractural arachnodactyly. Last evaluated: 2024-09-27. Review status: criteria provided, single submitter. Criteria: Invitae Variant Classification Sherloc (09022015). Collection method: clinical testing. Allele origin: germline.
Comment: This sequence change replaces valine, which is neutral and non-polar, with isoleucine, which is neutral and non-polar, at codon 862 of the FBN2 protein (p.Val862Ile). This variant is not present in population databases (gnomAD no frequency). This variant has not been reported in the literature in individuals affected with FBN2-related conditions. Invitae Evidence Modeling of protein sequence and biophysical properties (such as structural, functional, and spatial information, amino acid conservation, physicochemical variation, residue mobility, and thermodynamic stability) indicates that this missense variant is not expected to disrupt FBN2 protein function with a negative predictive value of 95%. In summary, the available evidence is currently insufficient to determine the role of this variant in disease. Therefore, it has been classified as a Variant of Uncertain Significance.

NM_001999.4(FBN2):c.2584G>A (p.Val862Ile)

Gene: FBN2 (fibrillin 2; minus strand). Cytogenetic location: 5q23.3.
Variant type: single nucleotide variant.
Coding change: c.2584G>A on transcript NM_001999.4 (MANE Select); coding-DNA position 2584, G replaced by A.
Protein change: p.Val862Ile; replaces valine 862 with isoleucine.
Molecular consequence: missense variant.
Genome position (GRCh38, 1-based): chr5:128,357,366, C>T on the plus strand (G>A on the coding strand, the complement: FBN2 is on the minus strand). VCF-style: chr5-128357366-C-T. GRCh37 (hg19) VCF-style: chr5-127693058-C-T.
Other names: c.2584G>A (NM_001999.3); short protein forms V862I.
Identifiers: ClinVar variation 3715640 (VCV003715640.3).